The following is an entry in ClinVar:

ClinVar aggregate classification (germline): Conflicting classifications of pathogenicity. Review status: criteria provided, conflicting classifications (1 of 4 stars). 3 submissions from 3 submitters: Uncertain significance (2); Likely benign (1). Last evaluated 2022-08-16.

Conditions:
Familial sleep-related hypermotor epilepsy. Also called: Autosomal Dominant Sleep-Related Hypermotor (Hyperkinetic) Epilepsy. Identifiers: Orphanet 98784, MedGen C3696898, MONDO:0000030.
Inborn genetic diseases. Identifiers: MedGen C0950123, MeSH D030342.

Allele frequency attached by ClinVar (database versions not stated): TOPMed 0.00001; gnomAD exomes 0.00001; gnomAD 0.00001.
gnomAD v4.1: 10 of 1,613,324 alleles (0.00062%); highest among the groups gnomAD compares: African/African-American, 0.0013%; no homozygotes.

Submissions (3):

Labcorp Genetics (formerly Invitae), Labcorp
Classification: Likely benign. Last evaluated: 2022-08-16. Review status: criteria provided, single submitter. Criteria: Invitae Variant Classification Sherloc (09022015). Collection method: clinical testing. Allele origin: germline.

Ambry Genetics
Classification: Uncertain significance for Inborn genetic diseases. Last evaluated: 2016-09-07. Review status: criteria provided, single submitter. Criteria: Ambry Variant Classification Scheme 2023. Collection method: clinical testing. Allele origin: germline.
Comment: The p.I145V variant (also known as c.433A>G), located in coding exon 4 of the CHRNA2 gene, results from an A to G substitution at nucleotide position 433. The isoleucine at codon 145 is replaced by valine, an amino acid with highly similar properties. This variant was not reported in population based cohorts in the following databases: Database of Single Nucleotide Polymorphisms (dbSNP), NHLBI Exome Sequencing Project (ESP), and 1000 Genomes Project. In the ESP, this variant was not observed in 6503 samples (13006 alleles) with coverage at this position. This amino acid position is well conserved in available vertebrate species. In addition, this alteration is predicted to be tolerated by in silico analysis. Since supporting evidence is limited at this time, the clinical significance of this alteration remains unclear.

GeneDx
Classification: Uncertain significance. Last evaluated: 2016-08-29. Review status: criteria provided, single submitter. Criteria: GeneDx Variant Classification (06012015). Collection method: clinical testing. Allele origin: germline. Affected: yes.
Comment: A variant of uncertain significance has been identified in the CHRNA2 gene. The I145V variant has not been published as a pathogenic variant, nor has it been reported as a benign variant to our knowledge. It was not observed in approximately 6,500 individuals of European and African American ancestry in the NHLBI Exome Sequencing Project, indicating it is not a common benign variant in these populations. The I145V variant is a conservative amino acid substitution, which is not likely to impact secondary protein structure as these residues share similar properties. This substitution occurs at a position where amino acids with similar properties to Isoleucine are tolerated across species. Additionally, this amino acid substitution is not predicted to occur within the transmembrane region of the protein, where the vast majority of pathogenic missense variants have been identified in association with epilepsy (Steinlein et al., 2010). However, in silico analysis is inconsistent in its predictions as to whether or not the variant is damaging to the protein structure/function. Therefore, based on the currently available information, it is unclear whether this variant is a pathogenic variant or a rare benign variant.

NM_000742.4(CHRNA2):c.433A>G (p.Ile145Val)

Gene: CHRNA2 (cholinergic receptor nicotinic alpha 2 subunit; minus strand). Cytogenetic location: 8p21.2.
Variant type: single nucleotide variant.
Coding change: c.433A>G on transcript NM_000742.4 (MANE Select); coding-DNA position 433, A replaced by G.
Protein change: p.Ile145Val; replaces isoleucine 145 with valine.
Molecular consequence: missense variant. On other transcripts: 5 prime UTR variant (4).
Genome position (GRCh38, 1-based): chr8:27,467,245, T>C on the plus strand (A>G on the coding strand, the complement: CHRNA2 is on the minus strand). VCF-style: chr8-27467245-T-C. GRCh37 (hg19) VCF-style: chr8-27324762-T-C.
Other names: c.388A>G, p.Ile130Val (NM_001282455.2); c.-40A>G (NM_001347705.2, NM_001347706.2); c.-26A>G (NM_001347707.2); c.-29A>G (NM_001347708.2); short protein forms I145V, I130V.
Identifiers: ClinVar variation 422137 (VCV000422137.12), dbSNP rs1064795580, ClinGen allele CA16618623.